The following is an entry in ClinVar:

ClinVar aggregate classification (germline): Uncertain significance. Review status: criteria provided, multiple submitters, no conflicts (2 of 4 stars). 2 submissions from 2 submitters: Uncertain significance (2). Last evaluated 2025-09-03.

Conditions:
Inborn genetic diseases. Identifiers: MedGen C0950123, MeSH D030342.

Allele frequency attached by ClinVar (database versions not stated): gnomAD 0.00001; TOPMed 0.00001.
gnomAD v4.1: 7 of 1,491,778 alleles (0.00047%); highest among the groups gnomAD compares: Middle Eastern, 0.02%; no homozygotes.

Submissions (2):

Labcorp Genetics (formerly Invitae), Labcorp
Classification: Uncertain significance. Last evaluated: 2025-09-03. Review status: criteria provided, single submitter. Criteria: Invitae Variant Classification Sherloc (09022015). Collection method: clinical testing. Allele origin: germline.
Comment: This sequence change replaces alanine, which is neutral and non-polar, with valine, which is neutral and non-polar, at codon 4 of the PDE8B protein (p.Ala4Val). This variant is not present in population databases (gnomAD no frequency). This variant has not been reported in the literature in individuals affected with PDE8B-related conditions. ClinVar contains an entry for this variant (Variation ID: 3210791). An algorithm developed to predict the effect of missense changes on protein structure and function (PolyPhen-2) suggests that this variant is likely to be disruptive. In summary, the available evidence is currently insufficient to determine the role of this variant in disease. Therefore, it has been classified as a Variant of Uncertain Significance.

Ambry Genetics
Classification: Uncertain significance for Inborn genetic diseases. Last evaluated: 2024-02-28. Review status: criteria provided, single submitter. Criteria: Ambry Variant Classification Scheme 2023. Collection method: clinical testing. Allele origin: germline.

NM_003719.5(PDE8B):c.11C>T (p.Ala4Val)

Gene: PDE8B (phosphodiesterase 8B; plus strand). Cytogenetic location: 5q13.3.
Variant type: single nucleotide variant.
Coding change: c.11C>T on transcript NM_003719.5 (MANE Select); coding-DNA position 11, C replaced by T.
Protein change: p.Ala4Val; replaces alanine 4 with valine.
Molecular consequence: missense variant. On other transcripts: intron variant (16).
Genome position (GRCh38, 1-based): chr5:77,210,936, C>T. VCF-style: chr5-77210936-C-T. GRCh37 (hg19) VCF-style: chr5-76506761-C-T.
Other names: c.11C>T, p.Ala4Val (NM_001029851.4, NM_001029852.4, NM_001029853.4 and 7 more transcripts); c.-34+92415C>T (NM_001414622.1, NM_001414623.1); c.36+30450C>T (NM_001349750.3, NM_001376069.1, NM_001376062.1 and 7 more transcripts); c.-336-23C>T (NM_001349753.2); c.-34+890C>T (NM_001376067.1, NM_001376075.1); c.-31+890C>T (NM_001376068.1); short protein forms A4V.
Identifiers: ClinVar variation 3210791 (VCV003210791.2), dbSNP rs1419104376, ClinGen allele CA360326218.